The following is an entry in ClinVar:

ClinVar aggregate classification (germline): Likely benign. Review status: criteria provided, multiple submitters, no conflicts (2 of 4 stars). 3 submissions from 3 submitters: Likely benign (3). Last evaluated 2026-01-05.

Conditions:
3-hydroxyisobutyryl-CoA hydrolase deficiency. Also called: HIBCH DEFICIENCY; Reduced circulating 3-hydroxyisobutyryl-CoA hydrolase activity; Deficiency of 3-hydroxyisobutyryl CoA hydrolase; METHACRYLIC ACID TOXICITY; METHACRYLIC ACIDURIA; VALINE METABOLIC DEFECT. Identifiers: Orphanet 88639, MedGen C0342738, MONDO:0009603, OMIM 250620, HP:6000215.

Allele frequency attached by ClinVar (database versions not stated): 1000 Genomes Project 30x 0.00016; 1000 Genomes Project 0.00020; ExAC 0.00049; gnomAD exomes 0.00049; TOPMed 0.00054; gnomAD 0.00059 and 0.00064; ESP Exome Variant Server 0.00100.
gnomAD v4.1: 1,045 of 1,581,050 alleles (0.066%); highest among the groups gnomAD compares: Non-Finnish European, 0.088%; no homozygotes.

Submissions (3):

Labcorp Genetics (formerly Invitae), Labcorp
Classification: Likely benign for 3-hydroxyisobutyryl-CoA hydrolase deficiency. Last evaluated: 2026-01-05. Review status: criteria provided, single submitter. Criteria: Invitae Variant Classification Sherloc (09022015). Collection method: clinical testing. Allele origin: germline.

Blueprint Genetics
Classification: Likely benign. Last evaluated: 2024-10-17. Review status: criteria provided, single submitter. Criteria: ACMG Guidelines, 2015. Collection method: clinical testing. Allele origin: germline.

GeneDx
Classification: Likely benign. Last evaluated: 2017-10-31. Review status: criteria provided, single submitter. Criteria: GeneDx Variant Classification (06012015). Collection method: clinical testing. Allele origin: germline. Affected: yes.
Comment: This variant is considered likely benign or benign based on one or more of the following criteria: it is a conservative change, it occurs at a poorly conserved position in the protein, it is predicted to be benign by multiple in silico algorithms, and/or has population frequency not consistent with disease.

NM_014362.4(HIBCH):c.36-13A>T

Gene: HIBCH (3-hydroxyisobutyryl-CoA hydrolase; minus strand). Cytogenetic location: 2q32.2.
Variant type: single nucleotide variant.
Coding change: c.36-13A>T on transcript NM_014362.4 (MANE Select); 13 bases into the intron before coding-DNA position 36, A replaced by T.
Molecular consequence: intron variant.
Genome position (GRCh38, 1-based): chr2:190,310,809, T>A on the plus strand (A>T on the coding strand, the complement: HIBCH is on the minus strand). VCF-style: chr2-190310809-T-A. GRCh37 (hg19) VCF-style: chr2-191175535-T-A.
Other names: c.36-13A>T (NM_198047.3).
Identifiers: ClinVar variation 384991 (VCV000384991.10), dbSNP rs199859881, ClinGen allele CA2027805.